The following is an entry in ClinVar:

NM_207421.4(PADI6):c.368-10_368-8del

Gene: PADI6 (peptidyl arginine deiminase 6; plus strand). Cytogenetic location: 1p36.13.
Variant type: Microsatellite.
Coding change: c.368-10_368-8del on transcript NM_207421.4 (MANE Select); 10 bases into the intron before coding-DNA position 368 through 8 bases into the intron before coding-DNA position 368, 3 bases deleted (TCT; older notation c.368-10_368-8delTCT).
Molecular consequence: intron variant.
Genome position (GRCh38, 1-based): chr1:17,379,910-17,379,912, TCT deleted; deleting any 3 consecutive bases within chr1:17,379,906-17,379,912 gives the same sequence; the c. name uses the placement nearest the transcript's 3' end. VCF-style (leftmost placement, unchanged base first): chr1-17379905-TTTC-T. GRCh37 (hg19) VCF-style: chr1-17706400-TTTC-T.
Other names: c.368-10_368-8delTCT (NM_207421.4).
Identifiers: ClinVar variation 3054348 (VCV003054348.2), dbSNP rs749881546, ClinGen allele CA641344.
Genomic context (GRCh38, chr1:17,379,905, plus strand): 5'-CAGGAGATAACCTATAACTTTGAGGTTCCATCTGGCAGGTCAAGGTGGCTGGGACACCCT[TTTC>T]TTCTGTTTCAGAGGTCTCTCTAGAGGTAGACATCTACCGCAATGGGCAAGTTGAGATGTC-3'

ClinVar aggregate classification (germline): Likely benign (0 of 4 stars; one submission).

Conditions:
PADI6-related disorder. Also called: PADI6-related condition.

Submission:

PreventionGenetics, part of Exact Sciences
Classification: Likely benign for PADI6-related condition. Last evaluated: 2021-03-25. Review status: no assertion criteria provided. Collection method: clinical testing. Allele origin: germline.
Comment: This variant is classified as likely benign based on ACMG/AMP sequence variant interpretation guidelines (Richards et al. 2015 PMID: 25741868, with internal and published modifications).